The following is an entry in ClinVar:

ClinVar aggregate classification (germline): Uncertain significance (1 of 4 stars; one submission).

Conditions:
Familial cancer of breast. Also called: BREAST CANCER, FAMILIAL; hereditary breast carcinoma; Hereditary breast cancer. Identifiers: Orphanet 227535, MedGen C0346153, MONDO:0016419, OMIM 114480. Disease mechanism: loss of function.
Fanconi anemia complementation group J. Also called: BRIP1-Related Fanconi Anemia. Identifiers: Orphanet 84, MedGen C1836860, MONDO:0012187, OMIM 609054.

Submission:

Labcorp Genetics (formerly Invitae), Labcorp
Classification: Uncertain significance for Familial cancer of breast; Fanconi anemia complementation group J. Last evaluated: 2022-01-18. Review status: criteria provided, single submitter. Criteria: Invitae Variant Classification Sherloc (09022015). Collection method: clinical testing. Allele origin: germline.
Comment: This variant is a gross deletion of the genomic region encompassing exon(s) 4 of the BRIP1 gene. This variant would be expected to be in-frame, preserving the integrity of the reading frame. This variant has not been reported in the literature in individuals affected with BRIP1-related conditions. Experimental studies and prediction algorithms are not available or were not evaluated, and the functional significance of this variant is currently unknown. In summary, the available evidence is currently insufficient to determine the role of this variant in disease. Therefore, it has been classified as a Variant of Uncertain Significance.

NC_000017.11:g.(?_61857048)_(61857241_?)del

Gene: BRIP1 (BRCA1 interacting DNA helicase 1; minus strand). Cytogenetic location: 17q23.2.
Variant type: Deletion.
Identifiers: ClinVar variation 832582 (VCV000832582.4).